The following is an entry in ClinVar:

ClinVar aggregate classification (germline): Uncertain significance (1 of 4 stars; one submission).

Allele frequency attached by ClinVar (database versions not stated): gnomAD exomes below 0.00001.
gnomAD v4.1: 1 of 1,613,998 alleles (0.000062%); highest among the groups gnomAD compares: Non-Finnish European, 0.000085%; no homozygotes.

Submission:

Labcorp Genetics (formerly Invitae), Labcorp
Classification: Uncertain significance. Last evaluated: 2023-01-30. Review status: criteria provided, single submitter. Criteria: Invitae Variant Classification Sherloc (09022015). Collection method: clinical testing. Allele origin: germline.
Comment: In summary, the available evidence is currently insufficient to determine the role of this variant in disease. Therefore, it has been classified as a Variant of Uncertain Significance. Algorithms developed to predict the effect of missense changes on protein structure and function are either unavailable or do not agree on the potential impact of this missense change (SIFT: "Tolerated"; PolyPhen-2: "Probably Damaging"; Align-GVGD: "Class C0"). This variant has not been reported in the literature in individuals affected with ATR-related conditions. This variant is not present in population databases (gnomAD no frequency). This sequence change replaces proline, which is neutral and non-polar, with threonine, which is neutral and polar, at codon 358 of the ATR protein (p.Pro358Thr).

NM_001184.4(ATR):c.1072C>A (p.Pro358Thr)

Gene: ATR (ATR checkpoint kinase; minus strand). Cytogenetic location: 3q23.
Variant type: single nucleotide variant.
Coding change: c.1072C>A on transcript NM_001184.4 (MANE Select); coding-DNA position 1072, C replaced by A.
Protein change: p.Pro358Thr; replaces proline 358 with threonine.
Molecular consequence: missense variant.
Genome position (GRCh38, 1-based): chr3:142,562,330, G>T on the plus strand (C>A on the coding strand, the complement: ATR is on the minus strand). VCF-style: chr3-142562330-G-T. GRCh37 (hg19) VCF-style: chr3-142281172-G-T.
Other names: c.1072C>A, p.Pro358Thr (NM_001354579.2); short protein forms P358T.
Identifiers: ClinVar variation 2832529 (VCV002832529.3), dbSNP rs866710163, ClinGen allele CA354823805.
Genomic context (GRCh38, chr3:142,562,330, plus strand): 5'-CTTTACAAATATTTCTCACATAGACCTTCCTGACTTGTAAAGCAGATTCATACCCAGCTG[G>T]CACAAATTTAAGGAAATACTGCAGTAAATGGCACAAAGCTGCTTTTAGCAAATCAGACTT-3'
Protein context (NP_001175.2, residues 348-368): HLLQYFLKFV[Pro358Thr]AGYESALQVR